The following is an entry in ClinVar:

ClinVar aggregate classification (germline): Uncertain significance (1 of 4 stars; one submission).

Conditions:
Epileptic encephalopathy. Identifiers: MedGen C0543888, HP:0200134.

Allele frequency attached by ClinVar (database versions not stated): gnomAD exomes below 0.00001 and 0.00001; TOPMed below 0.00001; gnomAD 0.00001.
gnomAD v4.1: 20 of 1,611,914 alleles (0.0012%); highest among the groups gnomAD compares: Non-Finnish European, 0.0017%; no homozygotes.

Submission:

Labcorp Genetics (formerly Invitae), Labcorp
Classification: Uncertain significance for Epileptic encephalopathy. Last evaluated: 2022-02-04. Review status: criteria provided, single submitter. Criteria: Invitae Variant Classification Sherloc (09022015). Collection method: clinical testing. Allele origin: germline.
Comment: In summary, the available evidence is currently insufficient to determine the role of this variant in disease. Therefore, it has been classified as a Variant of Uncertain Significance. Algorithms developed to predict the effect of missense changes on protein structure and function are either unavailable or do not agree on the potential impact of this missense change (SIFT: "Deleterious"; PolyPhen-2: "Probably Damaging"; Align-GVGD: "Class C15"). ClinVar contains an entry for this variant (Variation ID: 1004102). This variant has not been reported in the literature in individuals affected with RYR3-related conditions. The frequency data for this variant in the population databases is considered unreliable, as metrics indicate poor data quality at this position in the gnomAD database. This sequence change replaces threonine, which is neutral and polar, with lysine, which is basic and polar, at codon 2407 of the RYR3 protein (p.Thr2407Lys).

NM_001036.6(RYR3):c.7220C>A (p.Thr2407Lys)

Gene: RYR3 (ryanodine receptor 3; plus strand). Cytogenetic location: 15q14.
Variant type: single nucleotide variant.
Coding change: c.7220C>A on transcript NM_001036.6 (MANE Select); coding-DNA position 7220, C replaced by A.
Protein change: p.Thr2407Lys; replaces threonine 2407 with lysine.
Molecular consequence: missense variant.
Genome position (GRCh38, 1-based): chr15:33,731,490, C>A. VCF-style: chr15-33731490-C-A. GRCh37 (hg19) VCF-style: chr15-34023691-C-A.
Other names: c.7220C>A, p.Thr2407Lys (NM_001243996.4); short protein forms T2407K.
Identifiers: ClinVar variation 1004102 (VCV001004102.8), dbSNP rs1311822738, ClinGen allele CA391579011.
Genomic context (GRCh38, chr15:33,731,490, plus strand): 5'-GTTCCTCAGGGCAATTAACCTGTGTCCCAATCTTCTTTCTCTAGGTTTCCCTAAGCACCA[C>A]AGAGGCTGCGCTTGCACTAAATAGGTATATATGTTCTGCTGTGCTCCCGCTCCTCACAAG-3'
Protein context (NP_001027.3, residues 2397-2417): ASLDTVSLST[Thr2407Lys]EAALALNRYI